The following is an entry in ClinVar:

ClinVar aggregate classification (germline): Uncertain significance. Review status: criteria provided, multiple submitters, no conflicts (2 of 4 stars). 2 submissions from 2 submitters: Uncertain significance (2). Last evaluated 2023-09-10.

Conditions:
Dilated cardiomyopathy 1G (CMD1G). Identifiers: Orphanet 154, MedGen C1858763, MONDO:0011400, OMIM 604145.
Autosomal recessive limb-girdle muscular dystrophy type 2J (LGMDR10). Also called: MUSCULAR DYSTROPHY, LIMB-GIRDLE, AUTOSOMAL RECESSIVE 10; Limb-girdle muscular dystrophy, type 2J. Identifiers: Orphanet 140922, MedGen C1837342, MONDO:0012127, OMIM 608807.

Allele frequency attached by ClinVar (database versions not stated): gnomAD 0.00001; gnomAD exomes 0.00001.
gnomAD v4.1: 11 of 1,613,922 alleles (0.00068%); highest among the groups gnomAD compares: African/African-American, 0.008%; no homozygotes.

Submissions (2):

Labcorp Genetics (formerly Invitae), Labcorp
Classification: Uncertain significance for Dilated cardiomyopathy 1G; Autosomal recessive limb-girdle muscular dystrophy type 2J. Last evaluated: 2023-09-10. Review status: criteria provided, single submitter. Criteria: Invitae Variant Classification Sherloc (09022015). Collection method: clinical testing. Allele origin: germline.
Comment: In summary, the available evidence is currently insufficient to determine the role of this variant in disease. Therefore, it has been classified as a Variant of Uncertain Significance. This variant is located in the M band of TTN (PMID: 25589632). Variants in this region may be relevant for neuromuscular disorders, but have not been definitively shown to cause cardiomyopathy (PMID: 23975875). Experimental studies and prediction algorithms are not available or were not evaluated, and the functional significance of this variant is currently unknown. ClinVar contains an entry for this variant (Variation ID: 203114). This variant has not been reported in the literature in individuals affected with TTN-related conditions. This sequence change replaces aspartic acid, which is acidic and polar, with asparagine, which is neutral and polar, at codon 35768 of the TTN protein (p.Asp35768Asn). This variant is present in population databases (rs794729571, gnomAD 0.01%).

GeneDx
Classification: Uncertain significance. Last evaluated: 2017-03-15. Review status: criteria provided, single submitter. Criteria: GeneDx Variant Classification (06012015). Collection method: clinical testing. Allele origin: germline. Affected: yes.
Comment: Missense variants in the TTN gene are considered 'unclassified' if they are not previously reported in the literature and do not have >1% frequency in the population to be considered a polymorphism. Research indicates that truncating variants in the TTN gene are expected to account for approximately 25% of familial and 18% of sporadic idiopathic DCM; however, truncating variants in the TTN gene have been reported in approximately 3% of reported control alleles. There has been little investigation into non-truncating variants. (Herman D et al. Truncations of titin causing dilated cardiomyopathy. N Eng J Med 366:619-628, 2012). Therefore, based on the currently available information, it is unclear whether this variant is a pathogenic variant or a rare benign variant.

Literature cited by the submitters: PubMed 25589632 (cited by Labcorp Genetics (formerly Invitae), Labcorp); PubMed 23975875 (cited by Labcorp Genetics (formerly Invitae), Labcorp).

NM_001267550.2(TTN):c.107302G>A (p.Asp35768Asn)

Genes: TTN-AS1 (TTN antisense RNA 1; plus strand), TTN (titin; minus strand). Cytogenetic location: 2q31.2.
Variant type: single nucleotide variant.
Coding change: c.107302G>A on transcript NM_001267550.2 (MANE Select); coding-DNA position 107302, G replaced by A.
Protein change: p.Asp35768Asn; replaces aspartic acid 35768 with asparagine.
Molecular consequence: missense variant.
Genome position (GRCh38, 1-based): chr2:178,528,349, C>T on the plus strand (G>A on the coding strand, the complement: TTN is on the minus strand). VCF-style: chr2-178528349-C-T. GRCh37 (hg19) VCF-style: chr2-179393076-C-T.
Other names: p.D34127N:GAC>AAC; c.102379G>A, p.Asp34127Asn (NM_001256850.1); c.80107G>A, p.Asp26703Asn (NM_003319.4); c.99598G>A, p.Asp33200Asn (NM_133378.4); c.80482G>A, p.Asp26828Asn (NM_133432.3); c.80683G>A, p.Asp26895Asn (NM_133437.4); short protein forms D34127N, D35768N, D26828N, D26703N, D26895N, D33200N.
Identifiers: ClinVar variation 203114 (VCV000203114.8), dbSNP rs794729571, ClinGen allele CA311286.
Genomic context (GRCh38, chr2:178,528,349, plus strand): 5'-AAGCTGTAGCTGAACACTGGCCACGGAAATTTTTGGCCTTAATTGTGTACTTTCCACTGT[C>T]GCTGACTGATGCATTTCGGATTTCAAGGGAGTATACATTTCTGGAGCGGCTTATGCTGAC-3'
Protein context (NP_001254479.2, residues 35758-35778): SLEIRNASVS[Asp35768Asn]SGKYTIKAKN